The following is an entry in ClinVar:

ClinVar aggregate classification (germline): Pathogenic (1 of 4 stars; one submission).

Conditions:
Charcot-Marie-Tooth disease, type I (CMT1). Also called: Charcot-Marie-Tooth, Type 1; Charcot-Marie-Tooth disease type 1. Identifiers: Orphanet 65753, MedGen C0751036, MONDO:0019011.

Submission:

Labcorp Genetics (formerly Invitae), Labcorp
Classification: Pathogenic for Charcot-Marie-Tooth disease, type I. Last evaluated: 2021-04-17. Review status: criteria provided, single submitter. Criteria: Invitae Variant Classification Sherloc (09022015). Collection method: clinical testing. Allele origin: germline.
Comment: This variant is not present in population databases (ExAC no frequency). This sequence change creates a premature translational stop signal (p.Lys108Argfs*10) in the MPZ gene. It is expected to result in an absent or disrupted protein product. Loss-of-function variants in MPZ are known to be pathogenic (PMID: 14711881). For these reasons, this variant has been classified as Pathogenic. This variant has not been reported in the literature in individuals with MPZ-related conditions.

Literature cited by the submitters: PubMed 14711881.

NM_000530.8(MPZ):c.323del (p.Lys108fs)

Gene: MPZ (myelin protein zero; minus strand). Cytogenetic location: 1q23.3.
Variant type: Deletion.
Coding change: c.323del on transcript NM_000530.8 (MANE Select); coding-DNA position 323, one base deleted (A; older notation c.323delA).
Protein change: p.Lys108fs; shifts the reading frame from lysine 108.
Molecular consequence: frameshift variant.
Genome position (GRCh38, 1-based): chr1:161,306,833, T deleted on the plus strand (A on the coding strand, the reverse complement: MPZ is on the minus strand); the first of 2 consecutive T bases (chr1:161,306,833-161,306,834); deleting either gives the same sequence. VCF-style (leftmost placement, unchanged base first): chr1-161306832-CT-C. GRCh37 (hg19) VCF-style: chr1-161276622-CT-C.
Other names: c.323del, p.Lys108fs (NM_001315491.2); short protein forms K108fs.
Identifiers: ClinVar variation 1419179 (VCV001419179.6), dbSNP rs2102259042, ClinGen allele CA2573130608.